The following is an entry in ClinVar:

NM_194454.3(KRIT1):c.1818+3A>C

Gene: KRIT1 (KRIT1 ankyrin repeat containing; minus strand). Cytogenetic location: 7q21.2.
Variant type: single nucleotide variant.
Coding change: c.1818+3A>C on transcript NM_194454.3 (MANE Select); 3 bases into the intron after coding-DNA position 1818, A replaced by C.
Molecular consequence: intron variant.
Genome position (GRCh38, 1-based): chr7:92,213,889, T>G on the plus strand (A>C on the coding strand, the complement: KRIT1 is on the minus strand). VCF-style: chr7-92213889-T-G. GRCh37 (hg19) VCF-style: chr7-91843203-T-G.
Other names: c.1818+3A>C (NM_001350672.1, NM_001350676.1, NM_001350673.1 and 26 more transcripts); c.1674+3A>C (NM_001350669.1, NM_001013406.2, NM_001350670.1); c.1104+3A>C (NM_001350671.1).
Identifiers: ClinVar variation 2838877 (VCV002838877.3), dbSNP rs1342683119, ClinGen allele CA2739266541.

ClinVar aggregate classification (germline): Uncertain significance (1 of 4 stars; one submission).

Conditions:
Cerebral cavernous malformation (CCM). Also called: Cerebral cavernous hemangioma (type); Cerebral cavernous malformations; Cavernous Hemangioma of Brain; CAVERNOUS ANGIOMA, FAMILIAL; CAVERNOUS ANGIOMATOUS MALFORMATIONS; CEREBRAL CAPILLARY MALFORMATIONS. Identifiers: Orphanet 221061, MedGen C2919945, MONDO:0000820, OMIM 116860, HP:0033522.

Submission:

Labcorp Genetics (formerly Invitae), Labcorp
Classification: Uncertain significance for Cerebral cavernous malformation. Last evaluated: 2023-04-06. Review status: criteria provided, single submitter. Criteria: Invitae Variant Classification Sherloc (09022015). Collection method: clinical testing. Allele origin: germline.
Comment: In summary, the available evidence is currently insufficient to determine the role of this variant in disease. Therefore, it has been classified as a Variant of Uncertain Significance. This sequence change falls in intron 17 of the KRIT1 gene. It does not directly change the encoded amino acid sequence of the KRIT1 protein. It affects a nucleotide within the consensus splice site. This variant is not present in population databases (gnomAD no frequency). This variant has not been reported in the literature in individuals affected with KRIT1-related conditions. Variants that disrupt the consensus splice site are a relatively common cause of aberrant splicing (PMID: 17576681, 9536098). Algorithms developed to predict the effect of sequence changes on RNA splicing suggest that this variant may disrupt the consensus splice site.

Literature cited by the submitters: PubMed 17576681; PubMed 9536098.